The following is an entry in ClinVar:

NM_022765.4(MICAL1):c.1665-3C>T

Gene: MICAL1 (microtubule associated monooxygenase, calponin and LIM domain containing 1; minus strand). Cytogenetic location: 6q21.
Variant type: single nucleotide variant.
Coding change: c.1665-3C>T on transcript NM_022765.4 (MANE Select); 3 bases into the intron before coding-DNA position 1665, C replaced by T.
Molecular consequence: intron variant.
Genome position (GRCh38, 1-based): chr6:109,448,396, G>A on the plus strand (C>T on the coding strand, the complement: MICAL1 is on the minus strand). VCF-style: chr6-109448396-G-A. GRCh37 (hg19) VCF-style: chr6-109769599-G-A.
Other names: c.1722-3C>T (NM_001286613.2); c.1407-3C>T (NM_001159291.2).
Identifiers: ClinVar variation 1477171 (VCV001477171.6), dbSNP rs765336804, ClinGen allele CA3953241.

ClinVar aggregate classification (germline): Uncertain significance (1 of 4 stars; one submission).

Allele frequency attached by ClinVar (database versions not stated): gnomAD 0.00004; gnomAD exomes 0.00004 and 0.00007; TOPMed 0.00004; ExAC 0.00005.
gnomAD v4.1: 112 of 1,612,976 alleles (0.0069%); highest among the groups gnomAD compares: Middle Eastern, 0.017%; no homozygotes.

Submission:

Labcorp Genetics (formerly Invitae), Labcorp
Classification: Uncertain significance. Last evaluated: 2025-12-29. Review status: criteria provided, single submitter. Criteria: Invitae Variant Classification Sherloc (09022015). Collection method: clinical testing. Allele origin: germline.
Comment: This sequence change falls in intron 12 of the MICAL1 gene. It does not directly change the encoded amino acid sequence of the MICAL1 protein. It affects a nucleotide within the consensus splice site. This variant is present in population databases (rs765336804, gnomAD 0.01%). This variant has not been reported in the literature in individuals affected with MICAL1-related conditions. ClinVar contains an entry for this variant (Variation ID: 1477171). Variants that disrupt the consensus splice site are a relatively common cause of aberrant splicing (PMID: 17576681, 9536098). Algorithms developed to predict the effect of sequence changes on RNA splicing suggest that this variant is not likely to affect RNA splicing. In summary, the available evidence is currently insufficient to determine the role of this variant in disease. Therefore, it has been classified as a Variant of Uncertain Significance.

Literature cited by the submitters: PubMed 17576681; PubMed 9536098.